The following is an entry in ClinVar:

ClinVar aggregate classification (germline): Benign (1 of 4 stars; one submission).

Conditions:
Lynch syndrome 4 (LYNCH4). Also called: Colorectal cancer, hereditary nonpolyposis, type 4; Hereditary non-polyposis colorectal cancer, type 4. Identifiers: Orphanet 144, MedGen C1838333, MONDO:0013699, OMIM 614337. Disease mechanism: loss of function.

Submission:

Myriad Genetics, Inc.
Classification: Benign for Lynch syndrome 4. Last evaluated: 2025-01-28. Review status: criteria provided, single submitter. Criteria: Myriad Autosomal Dominant, Autosomal Recessive and X-Linked Classification Criteria (2023). Collection method: clinical testing. Allele origin: unknown.
Comment: This variant is considered benign. This variant is intronic and is not expected to impact mRNA splicing.

NM_000535.7(PMS2):c.804-39A>T

Gene: PMS2 (PMS1 homolog 2, mismatch repair system component; minus strand). Cytogenetic location: 7p22.1.
Variant type: single nucleotide variant.
Coding change: c.804-39A>T on transcript NM_000535.7 (MANE Select); 39 bases into the intron before coding-DNA position 804, A replaced by T.
Molecular consequence: intron variant.
Genome position (GRCh38, 1-based): chr7:5,995,672, T>A on the plus strand (A>T on the coding strand, the complement: PMS2 is on the minus strand). VCF-style: chr7-5995672-T-A. GRCh37 (hg19) VCF-style: chr7-6035303-T-A.
Other names: c.486-39A>T (NM_001322008.2, NM_001406902.1, NM_001406883.1 and 4 more transcripts); c.495-39A>T (NM_001406881.1, NM_001406879.1, NM_001322015.2 and 6 more transcripts); c.399-39A>T (NM_001406895.1, NM_001322010.2, NM_001322004.2 and 19 more transcripts); c.133-3615A>T (NM_001406911.1); c.291-39A>T (NM_001406904.1, NM_001406905.1); c.231-39A>T (NM_001322013.2, NM_001406909.1); c.-130-39A>T (NM_001322012.2, NM_001322011.2); c.468-39A>T (NM_001406885.1); and 8 more.
Identifiers: ClinVar variation 3904215 (VCV003904215.1).